The following is an entry in ClinVar:

NM_007186.6(CEP250):c.6114G>A (p.Gln2038=)

Gene: CEP250 (centrosomal protein 250; plus strand). Cytogenetic location: 20q11.22.
Variant type: single nucleotide variant.
Coding change: c.6114G>A on transcript NM_007186.6 (MANE Select); coding-DNA position 6114, G replaced by A.
Protein change: p.Gln2038=; no amino-acid change (glutamine 2038 retained).
Molecular consequence: synonymous variant.
Genome position (GRCh38, 1-based): chr20:35,504,483, G>A. VCF-style: chr20-35504483-G-A. GRCh37 (hg19) VCF-style: chr20-34092311-G-A.
Other names: c.6114G>A (NM_007186.5); c.4218G>A, p.Gln1406= (NM_001318219.1).
Identifiers: ClinVar variation 1165229 (VCV001165229.18), dbSNP rs756833778, ClinGen allele CA9834006.

ClinVar aggregate classification (germline): Benign/Likely benign. Review status: criteria provided, multiple submitters, no conflicts (2 of 4 stars). 4 submissions from 4 submitters: Benign (1); Likely benign (2). 1 of the submissions does not count toward it. Last evaluated 2026-05-01.

Conditions:
CEP250-related disorder. Also called: CEP250-related condition.

Allele frequency attached by ClinVar (database versions not stated): gnomAD 0.00009; gnomAD exomes 0.00015 and 0.00076; TOPMed 0.00035; ExAC 0.00078.
gnomAD v4.1: 231 of 1,613,544 alleles (0.014%); highest among the groups gnomAD compares: Admixed American, 0.38%; no homozygotes.

Submissions (4):

CeGaT Center for Human Genetics Tuebingen
Classification: Likely benign. Last evaluated: 2026-05-01. Review status: criteria provided, single submitter. Criteria: CeGaT Center For Human Genetics Tuebingen Variant Classification Criteria Version 2. Collection method: clinical testing. Allele origin: germline. Affected: yes. Observed: 2 variant alleles.
Comment: CEP250: BP4, BP7

Labcorp Genetics (formerly Invitae), Labcorp
Classification: Benign. Last evaluated: 2026-01-22. Review status: criteria provided, single submitter. Criteria: Invitae Variant Classification Sherloc (09022015). Collection method: clinical testing. Allele origin: germline.

Blueprint Genetics
Classification: Likely benign. Last evaluated: 2023-02-01. Review status: criteria provided, single submitter. Criteria: ACMG Guidelines, 2015. Collection method: clinical testing. Allele origin: germline.

PreventionGenetics, part of Exact Sciences
Classification: Likely benign for CEP250-related condition. Last evaluated: 2019-10-11. Review status: no assertion criteria provided. Collection method: clinical testing. Allele origin: germline. Not counted in ClinVar's aggregate classification.
Comment: This variant is classified as likely benign based on ACMG/AMP sequence variant interpretation guidelines (Richards et al. 2015 PMID: 25741868, with internal and published modifications).